The following is an entry in ClinVar:

NM_022124.6(CDH23):c.-5-83C>A

Gene: CDH23 (cadherin related 23; plus strand). Cytogenetic location: 10q22.1.
Variant type: single nucleotide variant.
Coding change: c.-5-83C>A on transcript NM_022124.6 (MANE Select); 83 bases into the intron before 5 bases upstream of the start codon, C replaced by A.
Molecular consequence: intron variant.
Genome position (GRCh38, 1-based): chr10:71,439,744, C>A. VCF-style: chr10-71439744-C-A. GRCh37 (hg19) VCF-style: chr10-73199501-C-A.
Other names: c.-5-83C>A (NM_001171930.2, NM_001171931.2, NM_052836.4 and 1 more transcripts).
Identifiers: ClinVar variation 670320 (VCV000670320.5), dbSNP rs4747153, ClinGen allele CA15654210.
Genomic context (GRCh38, chr10:71,439,744, plus strand): 5'-TAAACCCTCCATCTGGGTTGATTCCTTCTCCTCCCTTCCCAGCCCCAGTTCTCTCTGGAG[C>A]TGCAGAGGTGGGAGGGGCTGAGGAGCAGACCCTCTGCCACCCAGGAAGCTTCTCACCCTC-3'

ClinVar aggregate classification (germline): Benign. Review status: criteria provided, multiple submitters, no conflicts (2 of 4 stars). 4 submissions from 3 submitters: Benign (4). Last evaluated 2021-07-01.

Conditions:
Usher syndrome type 1D (USH1D). Also called: USHER SYNDROME, TYPE ID. Identifiers: Orphanet 231169, Orphanet 886, MedGen C1832845, MONDO:0010984, OMIM 601067.
Autosomal recessive nonsyndromic hearing loss 12. Also called: DEAFNESS, AUTOSOMAL RECESSIVE 12. Identifiers: Orphanet 90636, MedGen C1832394, MONDO:0011067, OMIM 601386.

Allele frequency attached by ClinVar (database versions not stated): 1000 Genomes Project 30x 0.30746; 1000 Genomes Project 0.31450; TOPMed 0.33876; gnomAD 0.37515; gnomAD exomes 0.46277.
gnomAD v4.1: 427,415 of 960,604 alleles (44%); highest among the groups gnomAD compares: East Asian, 54%; 101,347 homozygotes.

Submissions (4):

Genome-Nilou Lab
Classification: Benign for Usher syndrome type 1D. Last evaluated: 2021-07-01. Review status: criteria provided, single submitter. Criteria: ACMG Guidelines, 2015. Collection method: clinical testing. Allele origin: germline. Affected: no.

Genome-Nilou Lab
Classification: Benign for Autosomal recessive nonsyndromic hearing loss 12. Last evaluated: 2021-07-01. Review status: criteria provided, single submitter. Criteria: ACMG Guidelines, 2015. Collection method: clinical testing. Allele origin: germline. Affected: no.

GeneDx
Classification: Benign. Last evaluated: 2018-06-14. Review status: criteria provided, single submitter. Criteria: GeneDx Variant Classification (06012015). Collection method: clinical testing. Allele origin: germline. Affected: yes.
Comment: This variant is considered likely benign or benign based on one or more of the following criteria: it is a conservative change, it occurs at a poorly conserved position in the protein, it is predicted to be benign by multiple in silico algorithms, and/or has population frequency not consistent with disease.

Breakthrough Genomics
Classification: Benign. Review status: criteria provided, single submitter. Criteria: ACMG Guidelines, 2015. Collection method: not provided. Allele origin: germline. Inheritance: Autosomal recessive inheritance. Affected: yes.